The following is an entry in ClinVar:

ClinVar aggregate classification (germline): Uncertain significance. Review status: criteria provided, multiple submitters, no conflicts (2 of 4 stars). 3 submissions from 3 submitters: Uncertain significance (3). Last evaluated 2024-05-12.

Conditions:
Imerslund-Grasbeck syndrome. Also called: PERNICIOUS ANEMIA, JUVENILE, DUE TO SELECTIVE INTESTINAL MALABSORPTION OF VITAMIN B12, WITH PROTEINURIA; Megaloblastic anemia due to inborn errors of metabolism; ENTEROCYTE COBALAMIN MALABSORPTION; ENTEROCYTE INTRINSIC FACTOR RECEPTOR, DEFECT OF; Imerslund-Gräsbeck syndrome. Identifiers: Orphanet 35858, MedGen C4551825, MONDO:0009853.
Proteinuria, chronic benign. Identifiers: MedGen C5394384, MONDO:0030042, OMIM 618884.
Imerslund-Grasbeck syndrome type 1 (IGS1). Also called: Imerslund-Gräsbeck syndrome 1; Megaloblastic anemia 1, Finnish type; MEGALOBLASTIC ANEMIA, 1. Identifiers: MedGen C4016819, MONDO:0100156, OMIM 261100.
Inborn genetic diseases. Identifiers: MedGen C0950123, MeSH D030342.

Allele frequency attached by ClinVar (database versions not stated): gnomAD exomes 0.00004; ExAC 0.00004; TOPMed 0.00005; gnomAD 0.00007.
gnomAD v4.1: 65 of 1,613,904 alleles (0.004%); highest among the groups gnomAD compares: African/African-American, 0.011%; no homozygotes.

Submissions (3):

Ambry Genetics
Classification: Uncertain significance for Inborn genetic diseases. Last evaluated: 2024-05-12. Review status: criteria provided, single submitter. Criteria: Ambry Variant Classification Scheme 2023. Collection method: clinical testing. Allele origin: germline.

Fulgent Genetics
Classification: Uncertain significance for Imerslund-Grasbeck syndrome type 1; Proteinuria, chronic benign. Last evaluated: 2021-10-27. Review status: criteria provided, single submitter. Criteria: ACMG Guidelines, 2015. Collection method: clinical testing. Allele origin: unknown.

Labcorp Genetics (formerly Invitae), Labcorp
Classification: Uncertain significance for Imerslund-Grasbeck syndrome. Last evaluated: 2021-02-13. Review status: criteria provided, single submitter. Criteria: Invitae Variant Classification Sherloc (09022015). Collection method: clinical testing. Allele origin: germline.
Comment: This variant is present in population databases (rs763563422, ExAC 0.01%). In summary, the available evidence is currently insufficient to determine the role of this variant in disease. Therefore, it has been classified as a Variant of Uncertain Significance. Algorithms developed to predict the effect of missense changes on protein structure and function (SIFT, PolyPhen-2, Align-GVGD) all suggest that this variant is likely to be tolerated, but these predictions have not been confirmed by published functional studies and their clinical significance is uncertain. This variant has not been reported in the literature in individuals with CUBN-related conditions. This sequence change replaces arginine with cysteine at codon 1377 of the CUBN protein (p.Arg1377Cys). The arginine residue is weakly conserved and there is a large physicochemical difference between arginine and cysteine.

NM_001081.4(CUBN):c.4129C>T (p.Arg1377Cys)

Gene: CUBN (cubilin; minus strand). Cytogenetic location: 10p13.
Variant type: single nucleotide variant.
Coding change: c.4129C>T on transcript NM_001081.4 (MANE Select); coding-DNA position 4129, C replaced by T.
Protein change: p.Arg1377Cys; replaces arginine 1377 with cysteine.
Molecular consequence: missense variant.
Genome position (GRCh38, 1-based): chr10:17,019,872, G>A on the plus strand (C>T on the coding strand, the complement: CUBN is on the minus strand). VCF-style: chr10-17019872-G-A. GRCh37 (hg19) VCF-style: chr10-17061871-G-A.
Other names: c.4129C>T (NM_001081.3); short protein forms R1377C.
Identifiers: ClinVar variation 1350271 (VCV001350271.8), dbSNP rs763563422, ClinGen allele CA5424488.